The following is an entry in ClinVar:

NM_000282.4(PCCA):c.414+104C>T

Gene: PCCA (propionyl-CoA carboxylase subunit alpha; plus strand). Cytogenetic location: 13q32.3.
Variant type: single nucleotide variant.
Coding change: c.414+104C>T on transcript NM_000282.4 (MANE Select); 104 bases into the intron after coding-DNA position 414, C replaced by T.
Molecular consequence: intron variant.
Genome position (GRCh38, 1-based): chr13:100,155,196, C>T. VCF-style: chr13-100155196-C-T. GRCh37 (hg19) VCF-style: chr13-100807450-C-T.
Other names: c.414+104C>T (NM_001178004.2, NM_001352605.2, NM_001352606.2 and 1 more transcripts); c.-453+104C>T (NM_001352610.2, NM_001352611.2, NM_001352612.2); c.336+104C>T (NM_001127692.3, NM_001352607.2, NM_001352608.2).
Identifiers: ClinVar variation 676223 (VCV000676223.4), dbSNP rs9585366, ClinGen allele CA13921479.

ClinVar aggregate classification (germline): Benign. Review status: criteria provided, multiple submitters, no conflicts (2 of 4 stars). 3 submissions from 3 submitters: Benign (3). Last evaluated 2021-07-01.

Conditions:
Propionic acidemia (PROP). Also called: GLYCINEMIA, KETOTIC; HYPERGLYCINEMIA WITH KETOACIDOSIS AND LEUKOPENIA; KETOTIC HYPERGLYCINEMIA. Identifiers: Orphanet 35, MedGen C0268579, MONDO:0011628, OMIM 606054, HP:0003571.

Allele frequency attached by ClinVar (database versions not stated): 1000 Genomes Project 0.12680; 1000 Genomes Project 30x 0.13367; TOPMed 0.17235.
gnomAD v4.1: 129,561 of 809,264 alleles (16%); highest among the groups gnomAD compares: Middle Eastern, 21%; 11,364 homozygotes.

Submissions (3):

Pars Genome Lab
Classification: Benign for Propionic acidemia. Last evaluated: 2021-07-01. Review status: criteria provided, single submitter. Criteria: ACMG Guidelines, 2015. Collection method: clinical testing. Allele origin: germline. Affected: no.

GeneDx
Classification: Benign. Last evaluated: 2018-06-14. Review status: criteria provided, single submitter. Criteria: GeneDx Variant Classification (06012015). Collection method: clinical testing. Allele origin: germline. Affected: yes.
Comment: This variant is considered likely benign or benign based on one or more of the following criteria: it is a conservative change, it occurs at a poorly conserved position in the protein, it is predicted to be benign by multiple in silico algorithms, and/or has population frequency not consistent with disease.

Breakthrough Genomics
Classification: Benign. Review status: criteria provided, single submitter. Criteria: ACMG Guidelines, 2015. Collection method: not provided. Allele origin: germline. Inheritance: Autosomal recessive inheritance. Affected: yes.